The following is an entry in ClinVar:

ClinVar aggregate classification (germline): Uncertain significance. Review status: criteria provided, multiple submitters, no conflicts (2 of 4 stars). 6 submissions from 6 submitters: Uncertain significance (6). Last evaluated 2024-01-05.

Conditions:
Cardiovascular phenotype. Identifiers: MedGen CN230736.
Dilated cardiomyopathy 1C (CMD1C). Also called: Cardiomyopathy, dilated, 1C, with or without LVNC; CARDIOMYOPATHY, DILATED, 1C, WITH OR WITHOUT LEFT VENTRICULAR NONCOMPACTION. Identifiers: Orphanet 154, Orphanet 54260, MedGen C1832244, MONDO:0011094, OMIM 601493.
Myofibrillar myopathy 4. Also called: Zaspopathy (type). Identifiers: Orphanet 98912, MedGen C4721886, MONDO:0012277, OMIM 609452.
Cardiomyopathy (CMYO). Also called: Cardiomyopathies. Identifiers: Orphanet 167848, MedGen C0878544, MONDO:0004994, HP:0001638. Inheritance: Various modes of inheritance.

Allele frequency attached by ClinVar (database versions not stated): ExAC 0.00001; TOPMed 0.00002; gnomAD 0.00001.
gnomAD v4.1: 3 of 1,613,756 alleles (0.00019%); highest among the groups gnomAD compares: African/African-American, 0.004%; no homozygotes.

Submissions (6):

Ambry Genetics
Classification: Uncertain significance for Cardiovascular phenotype. Last evaluated: 2024-01-05. Review status: criteria provided, single submitter. Criteria: Ambry Variant Classification Scheme 2023. Collection method: clinical testing. Allele origin: germline.
Comment: The p.Q707* variant (also known as c.2119C>T), located in coding exon 13 of the LDB3 gene, results from a C to T substitution at nucleotide position 2119. This changes the amino acid from a glutamine to a stop codon within coding exon 13. Premature stop codons are typically deleterious in nature; however, this stop codon occurs at the 3' terminus of LDB3, is not expected to trigger nonsense-mediated mRNA decay, and impacts only the last 21 amino acids of the protein. The exact functional impact of these removed amino acids is unknown at this time. In addition, loss of function of LDB3 has not been clearly established as a mechanism of disease. Since supporting evidence is limited at this time, the clinical significance of this alteration remains unclear.

Labcorp Genetics (formerly Invitae), Labcorp
Classification: Uncertain significance for Myofibrillar myopathy 4. Last evaluated: 2023-10-18. Review status: criteria provided, single submitter. Criteria: Invitae Variant Classification Sherloc (09022015). Collection method: clinical testing. Allele origin: germline.
Comment: The LDB3 gene has multiple clinically relevant transcripts. This variant occurs in alternate transcript NM_007078.3, and corresponds to NM_001080116.1:c.*33537C>T in the primary transcript. This sequence change creates a premature translational stop signal (p.Gln707*) in the LDB3 gene. While this is not anticipated to result in nonsense mediated decay, it is expected to disrupt the last 21 amino acid(s) of the LDB3 protein. This variant is present in population databases (rs771316707, gnomAD 0.01%). This variant has not been reported in the literature in individuals affected with LDB3-related conditions. In summary, the available evidence is currently insufficient to determine the role of this variant in disease. Therefore, it has been classified as a Variant of Uncertain Significance.

GeneDx
Classification: Uncertain significance. Last evaluated: 2023-03-23. Review status: criteria provided, single submitter. Criteria: GeneDx Variant Classification Process June 2021. Collection method: clinical testing. Allele origin: germline. Affected: yes.
Comment: Reported using an alternate transcript of the gene; Has not been previously published as pathogenic or benign to our knowledge; Nonsense variant predicted to result in protein truncation as the last 21 amino acids are lost

Department of Pathology and Laboratory Medicine, Sinai Health System
Classification: Uncertain significance for Dilated cardiomyopathy 1C; Myofibrillar myopathy 4. Last evaluated: 2022-11-10. Review status: criteria provided, single submitter. Criteria: ACMG Guidelines, 2015. Collection method: research. Allele origin: germline.

AiLife Diagnostics
Classification: Uncertain significance. Last evaluated: 2022-02-28. Review status: criteria provided, single submitter. Criteria: ACMG Guidelines, 2015. Collection method: clinical testing. Allele origin: germline. Affected: yes. Observed: 1 variant allele.

CHEO Genetics Diagnostic Laboratory, Children's Hospital of Eastern Ontario
Classification: Uncertain significance for Cardiomyopathy. Last evaluated: 2018-03-19. Review status: criteria provided, single submitter. Criteria: ACMG Guidelines, 2015. Collection method: clinical testing. Allele origin: germline.

NM_007078.3(LDB3):c.2119C>T (p.Gln707Ter)

Gene: LDB3 (LIM domain binding 3; plus strand). Cytogenetic location: 10q23.2.
Variant type: single nucleotide variant.
Coding change: c.2119C>T on transcript NM_007078.3 (MANE Select); coding-DNA position 2119, C replaced by T.
Protein change: p.Gln707Ter; replaces glutamine 707 with a stop codon.
Molecular consequence: nonsense.
Genome position (GRCh38, 1-based): chr10:86,732,911, C>T. VCF-style: chr10-86732911-C-T. GRCh37 (hg19) VCF-style: chr10-88492668-C-T.
Other names: c.1789C>T, p.Gln597Ter (NM_001080114.2); c.2134C>T, p.Gln712Ter (NM_001171610.2); c.1930C>T, p.Gln644Ter (NM_001368064.1, NM_001368065.1); c.1978C>T, p.Gln660Ter (NM_001368066.1); c.2119C>T (LRG_385t1); short protein forms Q707*, Q660*, Q597*, Q644*, Q712*.
Identifiers: ClinVar variation 658042 (VCV000658042.14), dbSNP rs771316707, ClinGen allele CA5585361.